The following is an entry in ClinVar:

ClinVar aggregate classification (germline): Likely benign. Review status: criteria provided, multiple submitters, no conflicts (2 of 4 stars). 2 submissions from 2 submitters: Likely benign (2). Last evaluated 2018-06-19.

Allele frequency attached by ClinVar (database versions not stated): gnomAD 0.00501 and 0.00539; TOPMed 0.00571; ESP Exome Variant Server 0.00618; 1000 Genomes Project 0.00639; 1000 Genomes Project 30x 0.00640.
gnomAD v4.1: 1,525 of 1,612,896 alleles (0.095%); highest among the groups gnomAD compares: African/African-American, 1.9%; 21 homozygotes.

Submissions (2):

GeneDx
Classification: Likely benign. Last evaluated: 2018-06-19. Review status: criteria provided, single submitter. Criteria: GeneDx Variant Classification (06012015). Collection method: clinical testing. Allele origin: germline. Affected: yes.
Comment: This variant is considered likely benign or benign based on one or more of the following criteria: it is a conservative change, it occurs at a poorly conserved position in the protein, it is predicted to be benign by multiple in silico algorithms, and/or has population frequency not consistent with disease.

Breakthrough Genomics
Classification: Likely benign. Review status: criteria provided, single submitter. Criteria: ACMG Guidelines, 2015. Collection method: not provided. Allele origin: germline. Inheritance: Autosomal recessive inheritance. Affected: yes.

NM_016373.4(WWOX):c.231-41G>C

Gene: WWOX (WW domain containing oxidoreductase; plus strand). Cytogenetic location: 16q23.1.
Variant type: single nucleotide variant.
Coding change: c.231-41G>C on transcript NM_016373.4 (MANE Select); 41 bases into the intron before coding-DNA position 231, G replaced by C.
Molecular consequence: intron variant.
Genome position (GRCh38, 1-based): chr16:78,114,935, G>C. VCF-style: chr16-78114935-G-C. GRCh37 (hg19) VCF-style: chr16-78148832-G-C.
Other names: c.-109-41G>C (NM_001291997.2); c.231-41G>C (NM_130791.5).
Identifiers: ClinVar variation 677739 (VCV000677739.2), dbSNP rs7200645, ClinGen allele CA8183110.